The following is an entry in ClinVar:

NM_001111125.3(IQSEC2):c.1754G>T (p.Arg585Leu)

Gene: IQSEC2 (IQ motif and Sec7 domain ArfGEF 2; minus strand). Cytogenetic location: Xp11.22.
Variant type: single nucleotide variant.
Coding change: c.1754G>T on transcript NM_001111125.3 (MANE Select); coding-DNA position 1754, G replaced by T.
Protein change: p.Arg585Leu; replaces arginine 585 with leucine.
Molecular consequence: missense variant.
Genome position (GRCh38, 1-based): chrX:53,250,822, C>A on the plus strand (G>T on the coding strand, the complement: IQSEC2 is on the minus strand). VCF-style: chrX-53250822-C-A. GRCh37 (hg19) VCF-style: chrX-53280004-C-A.
Other names: c.1754G>T, p.Arg585Leu (NM_001410736.1, NM_001441092.1); c.1256G>T, p.Arg419Leu (NM_001441093.1); c.1043G>T, p.Arg348Leu (NM_001441094.1, NM_001441095.1); c.1139G>T, p.Arg380Leu (NM_015075.2); short protein forms R348L, R380L, R419L, R585L.
Identifiers: ClinVar variation 4531067 (VCV004531067.3).

ClinVar aggregate classification (germline): Uncertain significance. Review status: criteria provided, multiple submitters, no conflicts (2 of 4 stars). 2 submissions from 2 submitters: Uncertain significance (2). Last evaluated 2026-06-01.

Submissions (2):

CeGaT Center for Human Genetics Tuebingen
Classification: Uncertain significance. Last evaluated: 2026-06-01. Review status: criteria provided, single submitter. Criteria: CeGaT Center For Human Genetics Tuebingen Variant Classification Criteria Version 2. Collection method: clinical testing. Allele origin: germline. Affected: yes. Observed: 1 variant allele.
Comment: IQSEC2: PM2, PP2

GeneDx
Classification: Uncertain significance. Last evaluated: 2025-05-20. Review status: criteria provided, single submitter. Criteria: GeneDx Variant Classification Process June 2021. Collection method: clinical testing. Allele origin: germline. Affected: yes.
Comment: Not observed at significant frequency in large population cohorts (gnomAD); In silico analysis supports that this missense variant has a deleterious effect on protein structure/function; Has not been previously published as pathogenic or benign to our knowledge